The following is an entry in ClinVar:

ClinVar aggregate classification (germline): Conflicting classifications of pathogenicity. Review status: criteria provided, conflicting classifications (1 of 4 stars). 2 submissions from 2 submitters: Likely pathogenic (1); Uncertain significance (1). Last evaluated 2021-03-01.

Conditions:
Marfan syndrome (MFS). Also called: Marfan syndrome type 1; Marfan's syndrome; FBN1-Related Marfan Syndrome; MARFAN SYNDROME, TYPE I; Marfan syndrome, classic. Identifiers: Orphanet 284963, Orphanet 558, MedGen C0024796, MONDO:0007947, OMIM 154700.

Submissions (2):

Centre of Medical Genetics, University of Antwerp
Classification: Uncertain significance for Marfan syndrome. Last evaluated: 2021-03-01. Review status: criteria provided, single submitter. Criteria: Submitter's publication. Collection method: research. Allele origin: unknown. Affected: yes.
Comment: PM2, PM8, PP4

Victorian Clinical Genetics Services, Murdoch Childrens Research Institute
Classification: Likely pathogenic for Marfan syndrome. Last evaluated: 2020-10-19. Review status: criteria provided, single submitter. Criteria: ACMG Guidelines, 2015. Collection method: clinical testing. Allele origin: germline. Inheritance: Autosomal dominant inheritance.
Comment: Based on the classification scheme VCGS_Germline_v1.3.3, this variant is classified as Likely pathogenic. Following criteria are met: 0103 - Dominant negative and loss of function are known mechanisms of disease in this gene and are associated with FBN1-related disease. Variants predicted to result in nonsense mediated decay cause loss of function effects, and are more commonly associated with severe Marfan syndrome (MIM#154700). Missense variants with both dominant negative and loss of function effects on protein function, are also associated with causing Marfan syndrome and additionally, ectopia lentis (MIM#129600) (OMIM, PMID: 29357934). The exact genotype-phenotype correlation for this gene is still unclear, and is compounded by variable expressivity (GeneReviews). (I) 0108 - This gene is associated with both recessive and dominant disease. Patients with a recessive form of disease have Marfan syndrome, however there are very few reports (OMIM). (I) 0115 - Variants in this gene are known to have variable expressivity. The genotype-phenotype correlations for this gene are unclear, with single variants reported in patients with a range of phenotypes (GeneReviews, OMIM). (I) 0212 - Non-canonical splice site variant without proven consequence on splicing (no functional evidence available). (SP) 0251 - This variant is heterozygous. (I) 0301 - Variant is absent from gnomAD (both v2 and v3). (SP) 0505 - Abnormal splicing predictions by in silico tools are conflicting but affected nucleotide is highly conserved. (I) 0710 - Another splice variant comparable to the one identified in this case has inconclusive previous evidence for pathogenicity. A splice variant at the same nucleotide position (c.5917+5G>T) has been reported as a VUS in a patient with Marfan syndrome (ClinVar). (I) 0802 - This variant has moderate previous evidence of pathogenicity in an unrelated individual. This variant has been classified as pathogenic and reported in a patient with Marfan syndrome (PMID: 11826022), and a de novo patient with cardiac defects, ectopia lentis and arachnodactyly (Decipher). (SP) 0905 - No published segregation evidence has been identified for this variant. (I) 1007 - No published functional evidence has been identified for this variant. (SP) Legend: (SP) - Supporting pathogenic, (I) - Information, (SB) - Supporting benign

Literature cited by the submitters: PubMed 11826022 (cited by Victorian Clinical Genetics Services, Murdoch Childrens Research Institute); PubMed 29357934 (cited by Victorian Clinical Genetics Services, Murdoch Childrens Research Institute).

NM_000138.5(FBN1):c.5917+5G>A

Gene: FBN1 (fibrillin 1; minus strand). Cytogenetic location: 15q21.1.
Variant type: single nucleotide variant.
Coding change: c.5917+5G>A on transcript NM_000138.5 (MANE Select); 5 bases into the intron after coding-DNA position 5917, G replaced by A.
Molecular consequence: intron variant.
Genome position (GRCh38, 1-based): chr15:48,445,371, C>T on the plus strand (G>A on the coding strand, the complement: FBN1 is on the minus strand). VCF-style: chr15-48445371-C-T. GRCh37 (hg19) VCF-style: chr15-48737568-C-T.
Other names: c.5917+5G>A (NM_001406716.1, LRG_778t1).
Identifiers: ClinVar variation 1325431 (VCV001325431.3), dbSNP rs1555395743, ClinGen allele CA1139532861.